The following is an entry in ClinVar:

NM_025114.4(CEP290):c.3482T>C (p.Ile1161Thr)

Gene: CEP290 (centrosomal protein 290; minus strand). Cytogenetic location: 12q21.32.
Variant type: single nucleotide variant.
Coding change: c.3482T>C on transcript NM_025114.4 (MANE Select); coding-DNA position 3482, T replaced by C.
Protein change: p.Ile1161Thr; replaces isoleucine 1161 with threonine.
Molecular consequence: missense variant.
Genome position (GRCh38, 1-based): chr12:88,090,819, A>G on the plus strand (T>C on the coding strand, the complement: CEP290 is on the minus strand). VCF-style: chr12-88090819-A-G. GRCh37 (hg19) VCF-style: chr12-88484596-A-G.
Other names: short protein forms I1161T.
Identifiers: ClinVar variation 1990597 (VCV001990597.1), dbSNP rs2036979094, ClinGen allele CA386002223.

ClinVar aggregate classification (germline): Uncertain significance (1 of 4 stars; one submission).

Conditions:
Joubert syndrome. Also called: CEREBELLOPARENCHYMAL DISORDER IV; JOUBERT-BOLTSHAUSER SYNDROME; Familial aplasia of the vermis. Identifiers: Orphanet 475, MedGen C5979921, MONDO:0018772.
Meckel-Gruber syndrome. Also called: DYSENCEPHALIA SPLANCHNOCYSTICA; GRUBER SYNDROME; Dysencephalia splachnocystica. Identifiers: Orphanet 564, MedGen C0265215, MONDO:0018921.
Nephronophthisis. Also called: Juvenile Nephronophthisis. Identifiers: Orphanet 655, MedGen C0687120, MONDO:0019005, HP:0000090.

Allele frequency attached by ClinVar (database versions not stated): gnomAD exomes below 0.00001; TOPMed below 0.00001.
gnomAD v4.1: 1 of 1,555,556 alleles (0.000064%); highest among the groups gnomAD compares: Non-Finnish European, 0.000087%; no homozygotes.

Submission:

Labcorp Genetics (formerly Invitae), Labcorp
Classification: Uncertain significance for Joubert syndrome; Meckel-Gruber syndrome; Nephronophthisis. Last evaluated: 2022-08-17. Review status: criteria provided, single submitter. Criteria: Invitae Variant Classification Sherloc (09022015). Collection method: clinical testing. Allele origin: germline.
Comment: This sequence change replaces isoleucine, which is neutral and non-polar, with threonine, which is neutral and polar, at codon 1161 of the CEP290 protein (p.Ile1161Thr). This variant is not present in population databases (gnomAD no frequency). This variant has not been reported in the literature in individuals affected with CEP290-related conditions. Algorithms developed to predict the effect of missense changes on protein structure and function (SIFT, PolyPhen-2, Align-GVGD) all suggest that this variant is likely to be disruptive. In summary, the available evidence is currently insufficient to determine the role of this variant in disease. Therefore, it has been classified as a Variant of Uncertain Significance.